The following is an entry in ClinVar:

ClinVar aggregate classification (germline): Likely pathogenic (1 of 4 stars; one submission).

Submission:

Labcorp Genetics (formerly Invitae), Labcorp
Classification: Likely pathogenic. Last evaluated: 2025-08-14. Review status: criteria provided, single submitter. Criteria: Invitae Variant Classification Sherloc (09022015). Collection method: clinical testing. Allele origin: germline.
Comment: This sequence change affects a donor splice site in intron 7 of the ADAMTS10 gene. It is expected to disrupt RNA splicing. Variants that disrupt the donor or acceptor splice site typically lead to a loss of protein function (PMID: 16199547), and loss-of-function variants in ADAMTS10 are known to be pathogenic (PMID: 15368195, 18567016). This variant is not present in population databases (gnomAD no frequency). This variant has not been reported in the literature in individuals affected with ADAMTS10-related conditions. Algorithms developed to predict the effect of sequence changes on RNA splicing suggest that this variant may disrupt the consensus splice site. In summary, the currently available evidence indicates that the variant is pathogenic, but additional data are needed to prove that conclusively. Therefore, this variant has been classified as Likely Pathogenic.

Literature cited by the submitters: PubMed 16199547; PubMed 15368195; PubMed 18567016.

NM_030957.4(ADAMTS10):c.894+1G>T

Gene: ADAMTS10 (ADAM metallopeptidase with thrombospondin type 1 motif 10; minus strand). Cytogenetic location: 19p13.2.
Variant type: single nucleotide variant.
Coding change: c.894+1G>T on transcript NM_030957.4 (MANE Select); the canonical splice donor site of the intron after coding-DNA position 894, G replaced by T.
Molecular consequence: splice donor variant.
Genome position (GRCh38, 1-based): chr19:8,597,233, C>A on the plus strand (G>T on the coding strand, the complement: ADAMTS10 is on the minus strand). VCF-style: chr19-8597233-C-A. GRCh37 (hg19) VCF-style: chr19-8662117-C-A.
Identifiers: ClinVar variation 4714961 (VCV004714961.1).